The following is an entry in ClinVar:

NM_001037333.3(CYFIP2):c.2373G>C (p.Leu791=)

Gene: CYFIP2 (cytoplasmic FMR1 interacting protein 2; plus strand). Cytogenetic location: 5q33.3.
Variant type: single nucleotide variant.
Coding change: c.2373G>C on transcript NM_001037333.3 (MANE Select); coding-DNA position 2373, G replaced by C.
Protein change: p.Leu791=; no amino-acid change (leucine 791 retained).
Molecular consequence: synonymous variant.
Genome position (GRCh38, 1-based): chr5:157,333,434, G>C. VCF-style: chr5-157333434-G-C. GRCh37 (hg19) VCF-style: chr5-156760442-G-C.
Other names: c.2295G>C, p.Leu765= (NM_001291721.2); c.2448G>C, p.Leu816= (NM_001291722.2); c.2373G>C, p.Leu791= (NM_014376.4).
Identifiers: ClinVar variation 1632986 (VCV001632986.15), dbSNP rs13354242, ClinGen allele CA3533830.
Genomic context (GRCh38, chr5:157,333,434, plus strand): 5'-CTCTGCCGCCATGTATAAATCCTTGGACCAAGCTATCAGCCGCTTTGAGAGTGAGGACCT[G>C]ACCTCCATTGTGGTAAGAGTCTGGGAGCGTGTGGGATTTCTGCTCTGTGATTTCTCAGAC-3'
Protein context (NP_001032410.1, residues 781-801): QAISRFESED[Leu791=]TSIVELEWLL

ClinVar aggregate classification (germline): Benign/Likely benign. Review status: criteria provided, multiple submitters, no conflicts (2 of 4 stars). 3 submissions from 3 submitters: Benign (1); Likely benign (2). Last evaluated 2026-01-28.

Allele frequency attached by ClinVar (database versions not stated): gnomAD exomes 0.00021 and 0.00057; ExAC 0.00065; ESP Exome Variant Server 0.00245; gnomAD 0.00273 and 0.00297; 1000 Genomes Project 0.00300; TOPMed 0.00302; 1000 Genomes Project 30x 0.00344.
gnomAD v4.1: 730 of 1,613,946 alleles (0.045%); highest among the groups gnomAD compares: African/African-American, 0.86%; 4 homozygotes.

Submissions (3):

Labcorp Genetics (formerly Invitae), Labcorp
Classification: Benign. Last evaluated: 2026-01-28. Review status: criteria provided, single submitter. Criteria: Invitae Variant Classification Sherloc (09022015). Collection method: clinical testing. Allele origin: germline.

CeGaT Center for Human Genetics Tuebingen
Classification: Likely benign. Last evaluated: 2025-11-01. Review status: criteria provided, single submitter. Criteria: CeGaT Center For Human Genetics Tuebingen Variant Classification Criteria Version 2. Collection method: clinical testing. Allele origin: germline. Affected: yes. Observed: 1 variant allele.
Comment: CYFIP2: BP4, BS1

Blueprint Genetics
Classification: Likely benign. Last evaluated: 2024-10-18. Review status: criteria provided, single submitter. Criteria: ACMG Guidelines, 2015. Collection method: clinical testing. Allele origin: germline.